The following is an entry in ClinVar:

NM_032444.4(SLX4):c.3370A>T (p.Ile1124Phe)

Gene: SLX4 (SLX4 structure-specific endonuclease subunit; minus strand). Cytogenetic location: 16p13.3.
Variant type: single nucleotide variant.
Coding change: c.3370A>T on transcript NM_032444.4 (MANE Select); coding-DNA position 3370, A replaced by T.
Protein change: p.Ile1124Phe; replaces isoleucine 1124 with phenylalanine.
Molecular consequence: missense variant.
Genome position (GRCh38, 1-based): chr16:3,590,268, T>A on the plus strand (A>T on the coding strand, the complement: SLX4 is on the minus strand). VCF-style: chr16-3590268-T-A. GRCh37 (hg19) VCF-style: chr16-3640269-T-A.
Other names: short protein forms I1124F.
Identifiers: ClinVar variation 2803323 (VCV002803323.3), dbSNP rs766081510, ClinGen allele CA394520285.

ClinVar aggregate classification (germline): Uncertain significance (1 of 4 stars; one submission).

Conditions:
Fanconi anemia (FA). Also called: Fanconi's anemia. Identifiers: Orphanet 84, MedGen C0015625, MeSH D005199, MONDO:0019391.

Submission:

Labcorp Genetics (formerly Invitae), Labcorp
Classification: Uncertain significance for Fanconi anemia. Last evaluated: 2023-09-05. Review status: criteria provided, single submitter. Criteria: Invitae Variant Classification Sherloc (09022015). Collection method: clinical testing. Allele origin: germline.
Comment: This variant is not present in population databases (gnomAD no frequency). This variant has not been reported in the literature in individuals affected with SLX4-related conditions. An algorithm developed to predict the effect of missense changes on protein structure and function (PolyPhen-2) suggests that this variant is likely to be disruptive. In summary, the available evidence is currently insufficient to determine the role of this variant in disease. Therefore, it has been classified as a Variant of Uncertain Significance. This sequence change replaces isoleucine, which is neutral and non-polar, with phenylalanine, which is neutral and non-polar, at codon 1124 of the SLX4 protein (p.Ile1124Phe).